The following is an entry in ClinVar:

ClinVar aggregate classification (germline): Uncertain significance (1 of 4 stars; one submission).

Submission:

Labcorp Genetics (formerly Invitae), Labcorp
Classification: Uncertain significance. Last evaluated: 2022-10-17. Review status: criteria provided, single submitter. Criteria: Invitae Variant Classification Sherloc (09022015). Collection method: clinical testing. Allele origin: germline.
Comment: In summary, the available evidence is currently insufficient to determine the role of this variant in disease. Therefore, it has been classified as a Variant of Uncertain Significance. Advanced modeling of protein sequence and biophysical properties (such as structural, functional, and spatial information, amino acid conservation, physicochemical variation, residue mobility, and thermodynamic stability) performed at Invitae indicates that this missense variant is expected to disrupt POC1B protein function. ClinVar contains an entry for this variant (Variation ID: 845855). This variant has not been reported in the literature in individuals affected with POC1B-related conditions. This variant is not present in population databases (gnomAD no frequency). This sequence change replaces threonine, which is neutral and polar, with alanine, which is neutral and non-polar, at codon 265 of the POC1B protein (p.Thr265Ala).

NM_172240.3(POC1B):c.793A>G (p.Thr265Ala)

Genes: POC1B (POC1 centriolar protein B; minus strand), POC1B-DUSP6 (POC1B-DUSP6 readthrough; minus strand). Cytogenetic location: 12q21.33.
Variant type: single nucleotide variant.
Coding change: c.793A>G on transcript NM_172240.3 (MANE Select); coding-DNA position 793, A replaced by G.
Protein change: p.Thr265Ala; replaces threonine 265 with alanine.
Molecular consequence: missense variant. On other transcripts: non-coding transcript variant (2).
Genome position (GRCh38, 1-based): chr12:89,470,378, T>C on the plus strand (A>G on the coding strand, the complement: POC1B is on the minus strand). VCF-style: chr12-89470378-T-C. GRCh37 (hg19) VCF-style: chr12-89864155-T-C.
Other names: c.667A>G, p.Thr223Ala (NM_001199777.2); short protein forms T265A, T223A.
Identifiers: ClinVar variation 845855 (VCV000845855.9), dbSNP rs1882843188, ClinGen allele CA385995781.
Genomic context (GRCh38, chr12:89,470,378, plus strand): 5'-TTATATTTTTATATATAAAAAGCAAGAATCTGAGTGTTAATACCGTATGTCCTTGAAGTG[T>C]ATAGATGAGCCTTCCTTCTAAGAGGTCCAGAATCTTAAGGGTACCATCTGAAGAAGCTGT-3'
Protein context (NP_758440.1, residues 255-275): LDLLEGRLIY[Thr265Ala]LQGHTGPVFT